The following is an entry in ClinVar:

ClinVar aggregate classification (germline): Pathogenic. Review status: criteria provided, multiple submitters, no conflicts (2 of 4 stars). 3 submissions from 3 submitters: Pathogenic (3). Last evaluated 2026-07-15.

Conditions:
Polycystic kidney disease. Also called: Polycystic kidney dysplasia; Kidney, Polycystic. Identifiers: MedGen C0022680, MeSH D007690, MONDO:0020642, HP:0000113.
Polycystic kidney disease 2 (PKD2). Also called: Polycystic Kidney Disease 2, Autosomal Dominant; POLYCYSTIC KIDNEY DISEASE, ADULT, TYPE II; POLYCYSTIC KIDNEY DISEASE 2 WITH OR WITHOUT POLYCYSTIC LIVER DISEASE. Identifiers: MedGen C2751306, MONDO:0013131, OMIM 613095.

Allele frequency attached by ClinVar (database versions not stated): gnomAD 0.00001; gnomAD exomes 0.00001; TOPMed 0.00001.
gnomAD v4.1: 4 of 1,311,678 alleles (0.0003%); highest among the groups gnomAD compares: Non-Finnish European, 0.00039%; no homozygotes.

Submissions (3):

Institute of Human Genetics, University of Leipzig Medical Center
Classification: Pathogenic for Polycystic kidney disease 2. Last evaluated: 2026-07-15. Review status: criteria provided, single submitter. Criteria: ACMG Guidelines, 2015. Collection method: clinical testing. Allele origin: unknown. Inheritance: Autosomal dominant inheritance. Affected: yes.
Comment: Criteria applied: PVS1,PS4_SUP,PM2_SUP

Fulgent Genetics
Classification: Pathogenic for Polycystic kidney disease 2. Last evaluated: 2024-06-13. Review status: criteria provided, single submitter. Criteria: ACMG Guidelines, 2015. Collection method: clinical testing. Allele origin: germline.

Centre for Mendelian Genomics, University Medical Centre Ljubljana
Classification: Pathogenic for Polycystic kidney disease. Last evaluated: 2015-06-23. Review status: criteria provided, single submitter. Criteria: ACMG Guidelines, 2015. Collection method: clinical testing. Allele origin: unknown. Affected: yes.

NM_000297.4(PKD2):c.145C>T (p.Gln49Ter)

Genes: PKD2 (polycystin 2, transient receptor potential cation channel; plus strand), LOC129992813 (ATAC-STARR-seq lymphoblastoid silent region 15559; plus strand). Cytogenetic location: 4q22.1.
Variant type: single nucleotide variant.
Coding change: c.145C>T on transcript NM_000297.4 (MANE Select); coding-DNA position 145, C replaced by T.
Protein change: p.Gln49Ter; replaces glutamine 49 with a stop codon.
Molecular consequence: nonsense. On other transcripts: non-coding transcript variant (1).
Genome position (GRCh38, 1-based): chr4:88,007,878, C>T. VCF-style: chr4-88007878-C-T. GRCh37 (hg19) VCF-style: chr4-88929030-C-T.
Other names: short protein forms Q49*.
Identifiers: ClinVar variation 374110 (VCV000374110.4), dbSNP rs1057518906, ClinGen allele CA16043404.